The following is an entry in ClinVar:

NM_002907.4(RECQL):c.1734del (p.Leu578_Leu579insTer)

Genes: PYROXD1 (pyridine nucleotide-disulphide oxidoreductase domain 1; plus strand), RECQL (RecQ like helicase; minus strand). Cytogenetic location: 12p12.1.
Variant type: Deletion.
Coding change: c.1734del on transcript NM_002907.4 (MANE Select); coding-DNA position 1734, one base deleted (T; older notation c.1734delT).
Protein change: p.Leu578_Leu579insTer.
Molecular consequence: frameshift variant. On other transcripts: 3 prime UTR variant (3).
Genome position (GRCh38, 1-based): chr12:21,471,032, A deleted on the plus strand (T on the coding strand, the reverse complement: RECQL is on the minus strand); the first of 2 consecutive A bases (chr12:21,471,032-21,471,033); deleting either gives the same sequence. VCF-style (leftmost placement, unchanged base first): chr12-21471031-GA-G. GRCh37 (hg19) VCF-style: chr12-21623965-GA-G.
Other names: c.1734del, p.Leu578_Leu579insTer (NM_032941.3); c.*2279del (NM_001350912.2, NM_001350913.2, NM_024854.5).
Identifiers: ClinVar variation 3222951 (VCV003222951.1), dbSNP rs2540313999, ClinGen allele CA2825002068.

ClinVar aggregate classification (germline): Uncertain significance (1 of 4 stars; one submission).

Submission:

Ambry Genetics
Classification: Uncertain significance. Last evaluated: 2023-11-13. Review status: criteria provided, single submitter. Criteria: Ambry Variant Classification Scheme 2023. Collection method: clinical testing. Allele origin: germline.
Comment: The c.1734delT variant, located in coding exon 13 of the RECQL gene, results from a deletion of one nucleotide at nucleotide position 1734, causing a translational frameshift with a predicted alternate stop codon (p.L579*). This alteration is expected to result in loss of function by premature protein truncation or nonsense-mediated mRNA decay. However, the evidence for this gene-disease relationship is limited; therefore, the clinical significance of this alteration is unclear.